The following is an entry in ClinVar:

ClinVar aggregate classification (germline): Pathogenic (1 of 4 stars; one submission).

Conditions:
Myoclonic dystonia 11 (DYT11). Also called: DYT-SGCE; Myoclonic dystonia; Dystonia 11; Dystonia, alcohol responsive; Hereditary essential myoclonus; SGCE Myoclonus-Dystonia. Identifiers: Orphanet 36899, MedGen C1834570, MONDO:0008044, OMIM 159900.

Submission:

Labcorp Genetics (formerly Invitae), Labcorp
Classification: Pathogenic for Myoclonic dystonia 11. Last evaluated: 2021-02-19. Review status: criteria provided, single submitter. Criteria: Invitae Variant Classification Sherloc (09022015). Collection method: clinical testing. Allele origin: germline.
Comment: For these reasons, this variant has been classified as Pathogenic. This variant has not been reported in the literature in individuals with SGCE-related conditions. This variant is a gross deletion of the genomic region encompassing exon(s) 1-3 of the SGCE gene, which includes the initiator codon. The 5' end of this event is unknown as it extends beyond the assayed region for this gene and therefore may encompass additional genes. The 3' boundary is likely confined to intron 3 of the SGCE gene. It is expected to result in an absent or disrupted protein product. Loss-of-function variants in SGCE are known to be pathogenic (PMID: 12821748, 15389977, 17853490, 24297365).

Literature cited by the submitters: PubMed 12821748; PubMed 15389977; PubMed 17853490; PubMed 24297365.

NC_000007.13:g.(?_94257494)_(94285410_?)del

Gene: SGCE (sarcoglycan epsilon; minus strand). Cytogenetic location: 7q21.3.
Variant type: Deletion.
Identifiers: ClinVar variation 1459087 (VCV001459087.4).